The following is an entry in ClinVar:

NM_015231.3(NUP160):c.1243G>A (p.Asp415Asn)

Gene: NUP160 (nucleoporin 160; minus strand). Cytogenetic location: 11p11.2.
Variant type: single nucleotide variant.
Coding change: c.1243G>A on transcript NM_015231.3 (MANE Select); coding-DNA position 1243, G replaced by A.
Protein change: p.Asp415Asn; replaces aspartic acid 415 with asparagine.
Molecular consequence: missense variant. On other transcripts: non-coding transcript variant (1).
Genome position (GRCh38, 1-based): chr11:47,819,391, C>T on the plus strand (G>A on the coding strand, the complement: NUP160 is on the minus strand). VCF-style: chr11-47819391-C-T. GRCh37 (hg19) VCF-style: chr11-47840943-C-T.
Other names: c.1345G>A (NM_015231.1); short protein forms D415N.
Identifiers: ClinVar variation 1480151 (VCV001480151.5), dbSNP rs377322426, ClinGen allele CA5981355.

ClinVar aggregate classification (germline): Uncertain significance. Review status: criteria provided, multiple submitters, no conflicts (2 of 4 stars). 2 submissions from 2 submitters: Uncertain significance (2). Last evaluated 2025-06-12.

Allele frequency attached by ClinVar (database versions not stated): gnomAD exomes 0.00001 and 0.00002; ExAC 0.00002; gnomAD 0.00003 and 0.00004; TOPMed 0.00005; ESP Exome Variant Server 0.00008.
gnomAD v4.1: 9 of 1,611,300 alleles (0.00056%); highest among the groups gnomAD compares: African/African-American, 0.011%; no homozygotes.

Submissions (2):

Labcorp Genetics (formerly Invitae), Labcorp
Classification: Uncertain significance. Last evaluated: 2025-06-12. Review status: criteria provided, single submitter. Criteria: Invitae Variant Classification Sherloc (09022015). Collection method: clinical testing. Allele origin: germline.
Comment: This sequence change replaces aspartic acid, which is acidic and polar, with asparagine, which is neutral and polar, at codon 449 of the NUP160 protein (p.Asp449Asn). This variant is present in population databases (rs377322426, gnomAD 0.04%). This variant has not been reported in the literature in individuals affected with NUP160-related conditions. ClinVar contains an entry for this variant (Variation ID: 1480151). An algorithm developed to predict the effect of missense changes on protein structure and function (PolyPhen-2) suggests that this variant is likely to be tolerated. In summary, the available evidence is currently insufficient to determine the role of this variant in disease. Therefore, it has been classified as a Variant of Uncertain Significance.

Ambry Genetics
Classification: Uncertain significance. Last evaluated: 2024-09-05. Review status: criteria provided, single submitter. Criteria: Ambry Variant Classification Scheme 2023. Collection method: clinical testing. Allele origin: germline.